The following is an entry in ClinVar:

ClinVar aggregate classification (germline): Likely benign (0 of 4 stars; one submission).

Conditions:
PLXNA4-related disorder. Also called: PLXNA4-related condition.

Allele frequency attached by ClinVar (database versions not stated): ExAC 0.00003; gnomAD 0.00003; TOPMed 0.00007; gnomAD exomes 0.00008.
gnomAD v4.1: 123 of 1,614,136 alleles (0.0076%); highest among the groups gnomAD compares: Non-Finnish European, 0.01%; no homozygotes.

Submission:

PreventionGenetics, part of Exact Sciences
Classification: Likely benign for PLXNA4-related condition. Last evaluated: 2021-11-03. Review status: no assertion criteria provided. Collection method: clinical testing. Allele origin: germline.
Comment: This variant is classified as likely benign based on ACMG/AMP sequence variant interpretation guidelines (Richards et al. 2015 PMID: 25741868, with internal and published modifications).

NM_020911.2(PLXNA4):c.2655G>A (p.Leu885=)

Gene: PLXNA4 (plexin A4; minus strand). Cytogenetic location: 7q32.3.
Variant type: single nucleotide variant.
Coding change: c.2655G>A on transcript NM_020911.2 (MANE Select); coding-DNA position 2655, G replaced by A.
Protein change: p.Leu885=; no amino-acid change (leucine 885 retained).
Molecular consequence: synonymous variant.
Genome position (GRCh38, 1-based): chr7:132,198,568, C>T on the plus strand (G>A on the coding strand, the complement: PLXNA4 is on the minus strand). VCF-style: chr7-132198568-C-T. GRCh37 (hg19) VCF-style: chr7-131883327-C-T.
Other names: c.2655G>A, p.Leu885= (NM_001393897.1).
Identifiers: ClinVar variation 3047774 (VCV003047774.2), dbSNP rs764257252, ClinGen allele CA4489744.